The following is an entry in ClinVar:

ClinVar aggregate classification (germline): Likely benign (1 of 4 stars; one submission).

gnomAD v4.1: 7 of 1,613,722 alleles (0.00043%); highest among the groups gnomAD compares: Non-Finnish European, 0.00059%; no homozygotes.

Submission:

CeGaT Center for Human Genetics Tuebingen
Classification: Likely benign. Last evaluated: 2025-09-01. Review status: criteria provided, single submitter. Criteria: CeGaT Center For Human Genetics Tuebingen Variant Classification Criteria Version 2. Collection method: clinical testing. Allele origin: germline. Affected: yes. Observed: 1 variant allele.
Comment: FLG: BP4, BP7

NM_002016.2(FLG):c.5280A>G (p.Gly1760=)

Genes: CCDST (cervical cancer associated DHX9 suppressive transcript; plus strand), FLG (filaggrin; minus strand). Cytogenetic location: 1q21.3.
Variant type: single nucleotide variant.
Coding change: c.5280A>G on transcript NM_002016.2 (MANE Select); coding-DNA position 5280, A replaced by G.
Protein change: p.Gly1760=; no amino-acid change (glycine 1760 retained).
Molecular consequence: synonymous variant.
Genome position (GRCh38, 1-based): chr1:152,309,606, T>C on the plus strand (A>G on the coding strand, the complement: FLG is on the minus strand). VCF-style: chr1-152309606-T-C. GRCh37 (hg19) VCF-style: chr1-152282082-T-C.
Identifiers: ClinVar variation 4281144 (VCV004281144.7).
Genomic context (GRCh38, chr1:152,309,606, plus strand): 5'-TCCATGGGCGGACTCAGACTGTTCATGAGTGCTCACCTGGTAGAGGAAAGACCCTGAACG[T>C]CCAGACCTTTCCCCTGACTGGCCACGTGTGGACTCTTGGTGGCTCTGCTGATGGGGCCCA-3'
Protein context (NP_002007.1, residues 1750-1770): STRGQSGERS[Gly1760=]RSGSFLYQVS